The following is an entry in ClinVar:

NM_004752.4(GCM2):c.1177_1185dup (p.Ala393_Gln395dup)

Gene: GCM2 (GCM transcription factor 2; minus strand). Cytogenetic location: 6p24.2.
Variant type: Duplication.
Coding change: c.1177_1185dup on transcript NM_004752.4 (MANE Select); coding-DNA positions 1177 to 1185, 9 bases duplicated (GCCTACCAG; older notation c.1177_1185dupGCCTACCAG).
Protein change: p.Ala393_Gln395dup.
Molecular consequence: inframe insertion.
Genome position (GRCh38, 1-based): chr6:10,874,331-10,874,339, CTGGTAGGC duplicated on the plus strand (GCCTACCAG on the coding strand, the reverse complement: GCM2 is on the minus strand); duplicating any 9 consecutive bases within chr6:10,874,331-10,874,347 gives the same sequence; the c. name uses the placement nearest the transcript's 3' end. VCF-style (leftmost placement, unchanged base first): chr6-10874330-G-GCTGGTAGGC. GRCh37 (hg19) VCF-style: chr6-10874563-G-GCTGGTAGGC.
Other names: c.1177_1185dup9 (NM_004752.3); c.1177_1185dup (NM_004752.3).
Identifiers: ClinVar variation 770545 (VCV000770545.17), dbSNP rs551375300, ClinGen allele CA3633933.

ClinVar aggregate classification (germline): Likely benign. Review status: criteria provided, multiple submitters, no conflicts (2 of 4 stars). 6 submissions from 6 submitters: Likely benign (5). 1 of the submissions does not count toward it. Last evaluated 2026-09-01.

Conditions:
Hyperparathyroidism 4 (HRPT4). Identifiers: MedGen C4479229, MONDO:0024570, OMIM 617343.
Hypoparathyroidism, familial isolated, 2. Identifiers: MedGen C5394383, MONDO:0020798, OMIM 618883.
GCM2-related disorder. Also called: GCM2-related condition.

Submissions (6):

CeGaT Center for Human Genetics Tuebingen
Classification: Likely benign. Last evaluated: 2026-09-01. Review status: criteria provided, single submitter. Criteria: CeGaT Center For Human Genetics Tuebingen Variant Classification Criteria Version 2. Collection method: clinical testing. Allele origin: germline. Affected: yes. Observed: 1 variant allele.
Comment: GCM2: PM4, BS2

Labcorp Genetics (formerly Invitae), Labcorp
Classification: Likely benign. Last evaluated: 2026-01-04. Review status: criteria provided, single submitter. Criteria: Invitae Variant Classification Sherloc (09022015). Collection method: clinical testing. Allele origin: germline.

Department of Pathology and Laboratory Medicine, Sinai Health System
Classification: Likely benign for Hyperparathyroidism 4; Hypoparathyroidism, familial isolated, 2. Last evaluated: 2021-11-16. Review status: criteria provided, single submitter. Criteria: ACMG Guidelines, 2015. Collection method: research. Allele origin: germline.

Fulgent Genetics
Classification: Likely benign for Hyperparathyroidism 4; Hypoparathyroidism, familial isolated, 2. Last evaluated: 2021-07-21. Review status: criteria provided, single submitter. Criteria: ACMG Guidelines, 2015. Collection method: clinical testing. Allele origin: unknown.

Genetic Services Laboratory, University of Chicago
Classification: Likely benign. Last evaluated: 2019-03-15. Review status: criteria provided, single submitter. Criteria: ACMG Guidelines, 2015. Collection method: clinical testing. Allele origin: germline. Affected: no.

PreventionGenetics, part of Exact Sciences
Classification: Likely benign for GCM2-related condition. Last evaluated: 2022-01-18. Review status: no assertion criteria provided. Collection method: clinical testing. Allele origin: germline. Not counted in ClinVar's aggregate classification.
Comment: This variant is classified as likely benign based on ACMG/AMP sequence variant interpretation guidelines (Richards et al. 2015 PMID: 25741868, with internal and published modifications).